The following is an entry in ClinVar:

ClinVar aggregate classification (germline): Likely pathogenic (1 of 4 stars; one submission).

Conditions:
Infantile cerebral and cerebellar atrophy with postnatal progressive microcephaly (MSBA). Identifiers: Orphanet 402364, MedGen C3150921, MONDO:0013351, OMIM 613668.

Submission:

Natera, Inc.
Classification: Likely pathogenic for Postnatal progressive microcephaly with seizures and brain atrophy. Last evaluated: 2024-11-18. Review status: criteria provided, single submitter. Criteria: Natera Variant Classification Schema (03/2026). Collection method: clinical testing. Allele origin: germline.
Comment: The c.759del variant in MED17 is a frameshift variant predicted to shift the reading frame beginning at codon 254 and leads to a stop codon 15 codons downstream. This variant is expected to result in nonsense mediated decay, truncation, or a dysfunctional protein product. This variant is rare in the general population with a frequency below the threshold expected for the associated phenotype(s). Given the available evidence, this variant is classified as Likely Pathogenic.

NM_004268.5(MED17):c.759del (p.Ser254fs)

Gene: MED17 (mediator complex subunit 17; plus strand). Cytogenetic location: 11q21.
Variant type: Deletion.
Coding change: c.759del on transcript NM_004268.5 (MANE Select); coding-DNA position 759, one base deleted (G; older notation c.759delG).
Protein change: p.Ser254fs; shifts the reading frame from serine 254.
Molecular consequence: frameshift variant.
Genome position (GRCh38, 1-based): chr11:93,793,849, G deleted; the last of 4 consecutive G bases (chr11:93,793,846-93,793,849); deleting any one gives the same sequence. VCF-style (leftmost placement, unchanged base first): chr11-93793845-AG-A. GRCh37 (hg19) VCF-style: chr11-93527011-AG-A.
Other names: short protein forms S254fs.
Identifiers: ClinVar variation 4815336 (VCV004815336.1).
Genomic context (GRCh38, chr11:93,793,845, plus strand): 5'-TGGATAAAAAGATACCTGAAGATTACTGTCCTCTTGATGTCCAAATTCCTAGTGATTTAG[AG>A]GGGTCTGCATATATCAAGGTATTTGTCAAAATATTTTTCAAGTAATTTCTTACGAATAGC-3'